The following is an entry in ClinVar:

ClinVar aggregate classification (germline): Uncertain significance (1 of 4 stars; one submission).

Conditions:
Cardiovascular phenotype. Identifiers: MedGen CN230736.

Submission:

Ambry Genetics
Classification: Uncertain significance for Cardiovascular phenotype. Last evaluated: 2026-06-08. Review status: criteria provided, single submitter. Criteria: Ambry Variant Classification Scheme 2023. Collection method: clinical testing. Allele origin: germline.
Comment: The p.F600I variant (also known as c.1798T>A), located in coding exon 14 of the ENG gene, results from a T to A substitution at nucleotide position 1798. The phenylalanine at codon 600 is replaced by isoleucine, an amino acid with highly similar properties. This amino acid position is conserved. In addition, this alteration is predicted to be deleterious by in silico analysis. Based on the available evidence, the clinical significance of this variant remains unclear.

NM_001114753.3(ENG):c.1798T>A (p.Phe600Ile)

Gene: ENG (endoglin; minus strand). Cytogenetic location: 9q34.11.
Variant type: single nucleotide variant.
Coding change: c.1798T>A on transcript NM_001114753.3 (MANE Select); coding-DNA position 1798, T replaced by A.
Protein change: p.Phe600Ile; replaces phenylalanine 600 with isoleucine.
Molecular consequence: missense variant.
Genome position (GRCh38, 1-based): chr9:127,815,997, A>T on the plus strand (T>A on the coding strand, the complement: ENG is on the minus strand). VCF-style: chr9-127815997-A-T. GRCh37 (hg19) VCF-style: chr9-130578276-A-T.
Other names: c.1798T>A, p.Phe600Ile (NM_000118.4); c.1252T>A, p.Phe418Ile (NM_001278138.2); short protein forms F418I, F600I.
Identifiers: ClinVar variation 4870481 (VCV004870481.1).